The following is an entry in ClinVar:

NM_206933.4(USH2A):c.8464C>G (p.Gln2822Glu)

Gene: USH2A (usherin; minus strand). Cytogenetic location: 1q41.
Variant type: single nucleotide variant.
Coding change: c.8464C>G on transcript NM_206933.4 (MANE Select); coding-DNA position 8464, C replaced by G.
Protein change: p.Gln2822Glu; replaces glutamine 2822 with glutamic acid.
Molecular consequence: missense variant.
Genome position (GRCh38, 1-based): chr1:215,878,858, G>C on the plus strand (C>G on the coding strand, the complement: USH2A is on the minus strand). VCF-style: chr1-215878858-G-C. GRCh37 (hg19) VCF-style: chr1-216052200-G-C.
Other names: short protein forms Q2822E.
Identifiers: ClinVar variation 1392762 (VCV001392762.6), dbSNP rs1401769592, ClinGen allele CA344830757.
Genomic context (GRCh38, chr1:215,878,858, plus strand): 5'-GCCAAGAAATCACAACATATGATTCACTTAGTGGAATCACAGACAATGGGCCAACATTCT[G>C]AGGTACGGTGGGGTGAGTGGTAACATAGGTAGGTAAACTCTCTGTGCACCCTCCAAGGTA-3'
Protein context (NP_996816.3, residues 2812-2832): TYVTTHPTVP[Gln2822Glu]NVGPLSVIPL

ClinVar aggregate classification (germline): Uncertain significance (1 of 4 stars; one submission).

Submission:

Labcorp Genetics (formerly Invitae), Labcorp
Classification: Uncertain significance. Last evaluated: 2022-11-01. Review status: criteria provided, single submitter. Criteria: Invitae Variant Classification Sherloc (09022015). Collection method: clinical testing. Allele origin: germline.
Comment: This variant has not been reported in the literature in individuals affected with USH2A-related conditions. In summary, the available evidence is currently insufficient to determine the role of this variant in disease. Therefore, it has been classified as a Variant of Uncertain Significance. Advanced modeling of protein sequence and biophysical properties (such as structural, functional, and spatial information, amino acid conservation, physicochemical variation, residue mobility, and thermodynamic stability) performed at Invitae indicates that this missense variant is not expected to disrupt USH2A protein function. ClinVar contains an entry for this variant (Variation ID: 1392762). This variant is not present in population databases (gnomAD no frequency). This sequence change replaces glutamine, which is neutral and polar, with glutamic acid, which is acidic and polar, at codon 2822 of the USH2A protein (p.Gln2822Glu).